The following is an entry in ClinVar:

ClinVar aggregate classification (germline): Uncertain significance. Review status: criteria provided, multiple submitters, no conflicts (2 of 4 stars). 2 submissions from 2 submitters: Uncertain significance (2). Last evaluated 2025-05-29.

Allele frequency attached by ClinVar (database versions not stated): gnomAD exomes below 0.00001; TOPMed below 0.00001.

Submissions (2):

GeneDx
Classification: Uncertain significance. Last evaluated: 2025-05-29. Review status: criteria provided, single submitter. Criteria: GeneDx Variant Classification Process June 2021. Collection method: clinical testing. Allele origin: germline.
Comment: Not observed at significant frequency in large population cohorts (gnomAD); In silico analysis supports that this missense variant has a deleterious effect on protein structure/function; Has not been previously published as pathogenic or benign to our knowledge

Labcorp Genetics (formerly Invitae), Labcorp
Classification: Uncertain significance. Last evaluated: 2024-02-24. Review status: criteria provided, single submitter. Criteria: Invitae Variant Classification Sherloc (09022015). Collection method: clinical testing. Allele origin: germline.
Comment: This sequence change replaces methionine, which is neutral and non-polar, with isoleucine, which is neutral and non-polar, at codon 107 of the BEST1 protein (p.Met107Ile). This variant is not present in population databases (gnomAD no frequency). This variant has not been reported in the literature in individuals affected with BEST1-related conditions. ClinVar contains an entry for this variant (Variation ID: 1464088). Advanced modeling of protein sequence and biophysical properties (such as structural, functional, and spatial information, amino acid conservation, physicochemical variation, residue mobility, and thermodynamic stability) performed at Invitae indicates that this missense variant is expected to disrupt BEST1 protein function with a positive predictive value of 95%. In summary, the available evidence is currently insufficient to determine the role of this variant in disease. Therefore, it has been classified as a Variant of Uncertain Significance.

NM_004183.4(BEST1):c.321G>A (p.Met107Ile)

Gene: BEST1 (bestrophin 1; plus strand). Cytogenetic location: 11q12.3.
Variant type: single nucleotide variant.
Coding change: c.321G>A on transcript NM_004183.4 (MANE Select); coding-DNA position 321, G replaced by A.
Protein change: p.Met107Ile; replaces methionine 107 with isoleucine.
Molecular consequence: missense variant. On other transcripts: non-coding transcript variant (1).
Genome position (GRCh38, 1-based): chr11:61,955,791, G>A. VCF-style: chr11-61955791-G-A. GRCh37 (hg19) VCF-style: chr11-61723263-G-A.
Other names: c.141G>A, p.Met47Ile (NM_001139443.3, NM_001300786.2, NM_001300787.2); c.3G>A, p.Met1Ile (NM_001363591.3); c.321G>A, p.Met107Ile (NM_001363592.2); c.-855G>A (NM_001363593.3); short protein forms M47I, M1I, M107I.
Identifiers: ClinVar variation 1464088 (VCV001464088.10), dbSNP rs1941260323, ClinGen allele CA380834329.